The following is an entry in ClinVar:

NM_002024.6(FMR1):c.1124G>T (p.Arg375Met)

Gene: FMR1 (fragile X messenger ribonucleoprotein 1; plus strand). Cytogenetic location: Xq27.3.
Variant type: single nucleotide variant.
Coding change: c.1124G>T on transcript NM_002024.6 (MANE Select); coding-DNA position 1124, G replaced by T.
Protein change: p.Arg375Met; replaces arginine 375 with methionine.
Molecular consequence: missense variant. On other transcripts: non-coding transcript variant (2).
Genome position (GRCh38, 1-based): chrX:147,937,599, G>T. VCF-style: chrX-147937599-G-T. GRCh37 (hg19) VCF-style: chrX-147019118-G-T.
Other names: c.1124G>T, p.Arg375Met (NM_001185075.2, NM_001185076.2, NM_001185081.2 and 1 more transcripts); short protein forms R375M.
Identifiers: ClinVar variation 2541369 (VCV002541369.2), dbSNP rs2521414271, ClinGen allele CA414442748.
Genomic context (GRCh38, chrX:147,937,599, plus strand): 5'-ATTTAGATATAAAGGAAAACAGCACCCATTTTTCTCAACCTAACAGTACAAAAGTCCAGA[G>T]GGTAAGAATTACTTGTCACTTTGAATTACAATACAAGTAATTTGTCTCAGATGTCACAAT-3'
Protein context (NP_002015.1, residues 365-385): FSQPNSTKVQ[Arg375Met]VLVASSVVAG

ClinVar aggregate classification (germline): Uncertain significance (1 of 4 stars; one submission).

Conditions:
Inborn genetic diseases. Identifiers: MedGen C0950123, MeSH D030342.

Submission:

Ambry Genetics
Classification: Uncertain significance for Inborn genetic diseases. Last evaluated: 2023-06-07. Review status: criteria provided, single submitter. Criteria: Ambry Variant Classification Scheme 2023. Collection method: clinical testing. Allele origin: germline.
Comment: The c.1124G>T (p.R375M) alteration is located in exon 11 (coding exon 11) of the FMR1 gene. This alteration results from a G to T substitution at nucleotide position 1124, causing the arginine (R) at amino acid position 375 to be replaced by a methionine (M). This variant was not reported in population-based cohorts in the Genome Aggregation Database (gnomAD). This amino acid position is well conserved in available vertebrate species. This alteration is predicted to be tolerated by in silico analysis. Based on insufficient or conflicting evidence, the clinical significance of this alteration remains unclear.